The following is an entry in ClinVar:

ClinVar aggregate classification (germline): Likely benign (1 of 4 stars; one submission).

gnomAD v4.1: 1 of 1,614,052 alleles (0.000062%); highest among the groups gnomAD compares: Non-Finnish European, 0.000085%; no homozygotes.

Submission:

CeGaT Center for Human Genetics Tuebingen
Classification: Likely benign. Last evaluated: 2022-12-01. Review status: criteria provided, single submitter. Criteria: CeGaT Center For Human Genetics Tuebingen Variant Classification Criteria Version 2. Collection method: clinical testing. Allele origin: germline. Affected: yes. Observed: 1 variant allele.
Comment: SRRM2: PM2:Supporting, BP4, BP7

NM_016333.4(SRRM2):c.5928T>C (p.Pro1976=)

Gene: SRRM2 (serine/arginine repetitive matrix 2; plus strand). Cytogenetic location: 16p13.3.
Variant type: single nucleotide variant.
Coding change: c.5928T>C on transcript NM_016333.4 (MANE Select); coding-DNA position 5928, T replaced by C.
Protein change: p.Pro1976=; no amino-acid change (proline 1976 retained).
Molecular consequence: synonymous variant.
Genome position (GRCh38, 1-based): chr16:2,766,456, T>C. VCF-style: chr16-2766456-T-C. GRCh37 (hg19) VCF-style: chr16-2816457-T-C.
Identifiers: ClinVar variation 2646078 (VCV002646078.24), dbSNP rs2068546718, ClinGen allele CA493370915.
Genomic context (GRCh38, chr16:2,766,456, plus strand): 5'-AAGGTCCAGATCCAGGACTCCACCAGTAACCAGGAGGCGATCTCGAAGCAGAACTTCGCC[T>C]ATCACTCGCAGAAGATCAAGATCCAGAACATCTCCGGTCACCCGAAGGAGATCTCGATCT-3'
Protein context (NP_057417.3, residues 1966-1986): TRRRSRSRTS[Pro1976=]ITRRRSRSRT